The following is an entry in ClinVar:

NM_005912.3(MC4R):c.585C>G (p.Ile195Met)

Gene: MC4R (melanocortin 4 receptor; minus strand). Cytogenetic location: 18q21.32.
Variant type: single nucleotide variant.
Coding change: c.585C>G on transcript NM_005912.3 (MANE Select); coding-DNA position 585, C replaced by G.
Protein change: p.Ile195Met; replaces isoleucine 195 with methionine.
Molecular consequence: missense variant.
Genome position (GRCh38, 1-based): chr18:60,371,765, G>C on the plus strand (C>G on the coding strand, the complement: MC4R is on the minus strand). VCF-style: chr18-60371765-G-C. GRCh37 (hg19) VCF-style: chr18-58038998-G-C.
Other names: short protein forms I195M.
Identifiers: ClinVar variation 930151 (VCV000930151.4), dbSNP rs1915346892, ClinGen allele CA402719498.
Genomic context (GRCh38, chr18:60,371,765, plus strand): 5'-CATGTGGACATAGAGAGAAGCCATGAGAGCCAGCATGGTGAAGAACATGGTGATGAGGCA[G>C]ATGATGACAGCACTACTATCTGAGTAAATGATGAACAAAATGCCTGAAACCGTGCAAGCT-3'
Protein context (NP_005903.2, residues 185-205): IIYSDSSAVI[Ile195Met]CLITMFFTML

ClinVar aggregate classification (germline): Uncertain significance (1 of 4 stars; one submission).

Submission:

Laboratory for Molecular Medicine, Mass General Brigham Personalized Medicine
Classification: Uncertain significance. Last evaluated: 2019-08-15. Review status: criteria provided, single submitter. Criteria: LMM Criteria. Collection method: clinical testing. Allele origin: germline. Observed: 1 variant allele.
Comment: The p.Ile195Met variant in MC4R has not been previously identified in individuals with genetic obesity and was absent from large population studies. Computational prediction tools and conservation analyses suggest that this variant may impact the protein, though this information is not predictive enough to determine pathogenicity. A different variant at this position (p.Ile195Ser) has been reported in a pair of adolescent siblings with BMIs of 29.3 and 29.0 (Wangensteen 2009); however, this is insufficient evidence to establish a disease-causing role. In summary, the clinical significance of the p.Ile195Met variant is uncertain. ACMG/AMP Criteria applied: PM2, PP3.

Literature cited by the submitters: PubMed 19301229.